The following is an entry in ClinVar:

ClinVar aggregate classification (germline): Uncertain significance. Review status: criteria provided, multiple submitters, no conflicts (2 of 4 stars). 3 submissions from 3 submitters: Uncertain significance (3). Last evaluated 2023-06-04.

Conditions:
EP300-related disorder. Also called: EP300-related condition; EP300-related disorders.
Rubinstein-Taybi syndrome due to CREBBP mutations (RSTS1). Also called: Rubinstein-Taybi syndrome 1; RUBINSTEIN-TAYBI SYNDROME 1, INCOMPLETE; BROAD THUMBS AND GREAT TOES, CHARACTERISTIC FACIES, AND IMPAIRED INTELLECTUAL DEVELOPMENT; RUBINSTEIN SYNDROME; CREBBP-Related Rubinstein-Taybi Syndrome; BROAD THUMB-HALLUX SYNDROME. Identifiers: Orphanet 353277, Orphanet 783, MedGen C4551859, MONDO:0008393, OMIM 180849.
Colorectal cancer. Also called: Malignant Colorectal Neoplasm; Colorectal cancer, somatic. Identifiers: MedGen C0346629, MONDO:0005575, OMIM 114500.
Menke-Hennekam syndrome 2 (MKHK2). Identifiers: MedGen C5193035, MONDO:0020769, OMIM 618333.
Rubinstein-Taybi syndrome due to EP300 haploinsufficiency. Also called: EP300-Related Rubinstein-Taybi Syndrome; RUBINSTEIN-TAYBI SYNDROME 2. Identifiers: Orphanet 353284, Orphanet 783, MedGen C3150941, MONDO:0013364, OMIM 613684.

Allele frequency attached by ClinVar (database versions not stated): TOPMed below 0.00001; ExAC 0.00001; gnomAD 0.00001; gnomAD exomes 0.00001.

Submissions (3):

Labcorp Genetics (formerly Invitae), Labcorp
Classification: Uncertain significance for Rubinstein-Taybi syndrome due to EP300 haploinsufficiency. Last evaluated: 2023-06-04. Review status: criteria provided, single submitter. Criteria: Invitae Variant Classification Sherloc (09022015). Collection method: clinical testing. Allele origin: germline.
Comment: In summary, the available evidence is currently insufficient to determine the role of this variant in disease. Therefore, it has been classified as a Variant of Uncertain Significance. This variant has not been reported in the literature in individuals affected with EP300-related conditions. This variant is present in population databases (rs779096859, gnomAD 0.0009%). This variant, c.6435_6446dup, results in the insertion of 4 amino acid(s) of the EP300 protein (p.Pro2150_Gln2153dup), but otherwise preserves the integrity of the reading frame.

Department of Pathology and Laboratory Medicine, Sinai Health System
Classification: Uncertain significance for Colorectal cancer; Rubinstein-Taybi syndrome due to CREBBP mutations; Rubinstein-Taybi syndrome due to EP300 haploinsufficiency; Menke-Hennekam syndrome 2. Last evaluated: 2022-11-21. Review status: criteria provided, single submitter. Criteria: ACMG Guidelines, 2015. Collection method: research. Allele origin: germline.

PreventionGenetics, part of Exact Sciences
Classification: Uncertain significance for EP300-related condition. Last evaluated: 2022-10-12. Review status: criteria provided, single submitter. Criteria: ACMG Guidelines, 2015. Collection method: clinical testing. Allele origin: germline.
Comment: The EP300 c.6435_6446dup12 variant is predicted to result in an in-frame duplication (p.Pro2150_Gln2153dup). To our knowledge, this variant has not been reported in the literature. This variant is reported in 0.0040% of alleles in individuals of African descent in gnomAD. At this time, the clinical significance of this variant is uncertain due to the absence of conclusive functional and genetic evidence.

NM_001429.4(EP300):c.6435_6446dup (p.Gln2153_Leu2154insProGlnGlnGln)

Gene: EP300 (EP300 lysine acetyltransferase; plus strand). Cytogenetic location: 22q13.2.
Variant type: Duplication.
Coding change: c.6435_6446dup on transcript NM_001429.4 (MANE Select); coding-DNA positions 6435 to 6446, 12 bases duplicated (GCCCCAGCAGCA).
Protein change: p.Gln2153_Leu2154insProGlnGlnGln.
Molecular consequence: inframe insertion.
Genome position (GRCh38, 1-based): chr22:41,178,146-41,178,157, GCCCCAGCAGCA duplicated. VCF-style (leftmost placement, unchanged base first): chr22-41178145-T-TGCCCCAGCAGCA. GRCh37 (hg19) VCF-style: chr22-41574149-T-TGCCCCAGCAGCA.
Other names: c.6357_6368dup, p.Gln2127_Leu2128insProGlnGlnGln (NM_001362843.2).
Identifiers: ClinVar variation 2633319 (VCV002633319.5), dbSNP rs779096859, ClinGen allele CA10253855.